The following is an entry in ClinVar:

ClinVar aggregate classification (germline): Uncertain significance. Review status: criteria provided, multiple submitters, no conflicts (2 of 4 stars). 5 submissions from 5 submitters: Uncertain significance (5). Last evaluated 2026-01-28.

Conditions:
Cardiovascular phenotype. Identifiers: MedGen CN230736.
Distal myopathy with posterior leg and anterior hand involvement. Also called: WILLIAMS DISTAL MYOPATHY. Identifiers: Orphanet 63273, MedGen C3279722, MONDO:0013550, OMIM 614065.
Myofibrillar myopathy 5. Also called: Filaminopathy (type); FILAMINOPATHY, AUTOSOMAL DOMINANT. Identifiers: Orphanet 171445, MedGen C1836050, MONDO:0012289, OMIM 609524.
Hypertrophic cardiomyopathy 26. Also called: Cardiomyopathy, familial hypertrophic, 26. Identifiers: Orphanet 75249, MedGen C4310749, MONDO:0014883, OMIM 617047.
FLNC-related disorder. Also called: FLNC-related condition; FLNC-related disorders.

Allele frequency attached by ClinVar (database versions not stated): gnomAD exomes 0.00001; gnomAD 0.00002; TOPMed 0.00002.
gnomAD v4.1: 26 of 1,613,918 alleles (0.0016%); highest among the groups gnomAD compares: Non-Finnish European, 0.002%; no homozygotes.

Submissions (5):

Labcorp Genetics (formerly Invitae), Labcorp
Classification: Uncertain significance for Distal myopathy with posterior leg and anterior hand involvement; Myofibrillar myopathy 5; Hypertrophic cardiomyopathy 26. Last evaluated: 2026-01-28. Review status: criteria provided, single submitter. Criteria: Invitae Variant Classification Sherloc (09022015). Collection method: clinical testing. Allele origin: germline.
Comment: This sequence change replaces valine, which is neutral and non-polar, with methionine, which is neutral and non-polar, at codon 1001 of the FLNC protein (p.Val1001Met). This variant is present in population databases (no rsID available, gnomAD 0.003%). This variant has not been reported in the literature in individuals affected with FLNC-related conditions. ClinVar contains an entry for this variant (Variation ID: 936139). Invitae Evidence Modeling of protein sequence and biophysical properties (such as structural, functional, and spatial information, amino acid conservation, physicochemical variation, residue mobility, and thermodynamic stability) has been performed for this missense variant. However, the output from this modeling did not meet the statistical confidence thresholds required to predict the impact of this variant on FLNC protein function. In summary, the available evidence is currently insufficient to determine the role of this variant in disease. Therefore, it has been classified as a Variant of Uncertain Significance.

Women's Health and Genetics/Laboratory Corporation of America, LabCorp
Classification: Uncertain significance. Last evaluated: 2025-09-29. Review status: criteria provided, single submitter. Criteria: LabCorp Variant Classification Summary - May 2015. Collection method: clinical testing. Allele origin: germline.

PreventionGenetics, part of Exact Sciences
Classification: Uncertain significance for FLNC-related condition. Last evaluated: 2025-03-07. Review status: criteria provided, single submitter. Criteria: ACMG Guidelines, 2015. Collection method: clinical testing. Allele origin: germline.
Comment: The FLNC c.3001G>A variant is predicted to result in the amino acid substitution p.Val1001Met. To our knowledge, this variant has not been reported in the literature. This variant is reported in 0.0027% of alleles in individuals of European (Non-Finnish) descent in gnomAD. At this time, the clinical significance of this variant is uncertain due to the absence of conclusive functional and genetic evidence.

Ambry Genetics
Classification: Uncertain significance for Cardiovascular phenotype. Last evaluated: 2024-12-04. Review status: criteria provided, single submitter. Criteria: Ambry Variant Classification Scheme 2023. Collection method: clinical testing. Allele origin: germline.
Comment: The p.V1001M variant (also known as c.3001G>A), located in coding exon 20 of the FLNC gene, results from a G to A substitution at nucleotide position 3001. The valine at codon 1001 is replaced by methionine, an amino acid with highly similar properties. This amino acid position is well conserved in available vertebrate species. In addition, this alteration is predicted to be deleterious by in silico analysis. Since supporting evidence is limited at this time, the clinical significance of this alteration remains unclear.

GeneDx
Classification: Uncertain significance. Last evaluated: 2023-07-19. Review status: criteria provided, single submitter. Criteria: GeneDx Variant Classification Process June 2021. Collection method: clinical testing. Allele origin: germline. Affected: yes.
Comment: Has not been previously published as pathogenic or benign to our knowledge; Not observed at significant frequency in large population cohorts (gnomAD); In silico analysis supports that this missense variant does not alter protein structure/function

NM_001458.5(FLNC):c.3001G>A (p.Val1001Met)

Gene: FLNC (filamin C; plus strand). Cytogenetic location: 7q32.1.
Variant type: single nucleotide variant.
Coding change: c.3001G>A on transcript NM_001458.5 (MANE Select); coding-DNA position 3001, G replaced by A.
Protein change: p.Val1001Met; replaces valine 1001 with methionine.
Molecular consequence: missense variant.
Genome position (GRCh38, 1-based): chr7:128,844,075, G>A. VCF-style: chr7-128844075-G-A. GRCh37 (hg19) VCF-style: chr7-128484129-G-A.
Other names: c.3001G>A, p.Val1001Met (NM_001127487.2); short protein forms V1001M.
Identifiers: ClinVar variation 936139 (VCV000936139.12), dbSNP rs1037999644, ClinGen allele CA166177555.